The following is an entry in ClinVar:

ClinVar aggregate classification (germline): Conflicting classifications of pathogenicity. Review status: criteria provided, conflicting classifications (1 of 4 stars). 5 submissions from 5 submitters: Pathogenic (1); Likely pathogenic (1); Uncertain significance (1). 2 of the submissions do not count toward it. Last evaluated 2025-04-22.

Conditions:
Phenylketonuria (PKU). Also called: Phenylketonuria (PKU); FOLLING DISEASE; OLIGOPHRENIA PHENYLPYRUVICA; Phenylketonurias. Identifiers: Orphanet 716, MedGen C0031485, MONDO:0009861, OMIM 261600. Disease mechanism: loss of function.

Allele frequency attached by ClinVar (database versions not stated): gnomAD exomes below 0.00001; ExAC 0.00001; TOPMed 0.00002.
gnomAD v4.1: 3 of 1,613,528 alleles (0.00019%); highest among the groups gnomAD compares: African/African-American, 0.0013%; no homozygotes.

Submissions (5):

Women's Health and Genetics/Laboratory Corporation of America, LabCorp
Classification: Likely pathogenic for Phenylketonuria. Last evaluated: 2025-04-22. Review status: criteria provided, single submitter. Criteria: LabCorp Variant Classification Summary - May 2015. Collection method: clinical testing. Allele origin: germline.
Comment: Variant summary: PAH c.1198A>C (p.Arg400Arg) alters a conserved nucleotide located close to a canonical splice site and therefore could affect mRNA splicing, leading to a significantly altered protein sequence. Several computational tools predict a significant impact on normal splicing: One predict the variant abolishes the canonical 5' splicing donor site. One predict the variant weakens the canonical 5' splicing donor site. Two predict the variant weakens a cryptic intronic 5' donor site. However, these predictions have yet to be confirmed by functional studies. The variant allele was found at a frequency of 4e-06 in 251292 control chromosomes. c.1198A>C has been observed as a biallelic genotype in individual(s) affected with Phenylalanine Hydroxylase Deficiency (Phenylketonuria) (e.g., Eisensmith_1996, Narravula_2017, Hillert_2020, Vela-Amieva_2021, internal data). These data indicate that the variant is likely to be associated with disease. To our knowledge, no experimental evidence demonstrating an impact on protein function has been reported. The following publications have been ascertained in the context of this evaluation (PMID: 8632937, 32668217, 27308838, 34828281). ClinVar contains an entry for this variant (Variation ID: 102553). Based on the evidence outlined above, the variant was classified as likely pathogenic.

Labcorp Genetics (formerly Invitae), Labcorp
Classification: Pathogenic for Phenylketonuria. Last evaluated: 2025-04-10. Review status: criteria provided, single submitter. Criteria: Invitae Variant Classification Sherloc (09022015). Collection method: clinical testing. Allele origin: germline.
Comment: This sequence change affects codon 400 of the PAH mRNA. It is a 'silent' change, meaning that it does not change the encoded amino acid sequence of the PAH protein. It affects a nucleotide within the consensus splice site. This variant is present in population databases (rs199475593, gnomAD 0.007%). This variant has been observed in individual(s) with hyperphenylalaninemia (PMID: 8632937, 34828281; internal data). ClinVar contains an entry for this variant (Variation ID: 102553). Algorithms developed to predict the effect of sequence changes on RNA splicing suggest that this variant may disrupt the consensus splice site. For these reasons, this variant has been classified as Pathogenic.

Eurofins Ntd Llc (ga)
Classification: Uncertain significance. Last evaluated: 2015-09-29. Review status: criteria provided, single submitter. Criteria: EGL Classification Definitions 2015. Collection method: clinical testing. Allele origin: germline. Observed: 1 variant allele, 1 heterozygote.

Counsyl
Classification: Uncertain significance for Phenylketonuria. Last evaluated: 2017-12-20. Review status: no assertion criteria provided. Collection method: clinical testing. Allele origin: unknown. Not counted in ClinVar's aggregate classification.

DeBelle Laboratory for Biochemical Genetics, MUHC/MCH RESEARCH INSTITUTE
No classification provided. Review status: no classification provided. Collection method: not provided. Allele origin: not provided. Not counted in ClinVar's aggregate classification.

Literature cited by the submitters: PubMed 27308838 (cited by Women's Health and Genetics/Laboratory Corporation of America, LabCorp); PubMed 8632937 (cited by 3 submitters); PubMed 32668217 (cited by Women's Health and Genetics/Laboratory Corporation of America, LabCorp); PubMed 34828281 (cited by Women's Health and Genetics/Laboratory Corporation of America, LabCorp and Labcorp Genetics (formerly Invitae), Labcorp); PubMed 11214902 (cited by Counsyl); PubMed 16256386 (cited by Counsyl).

NM_000277.3(PAH):c.1198A>C (p.Arg400=)

Gene: PAH (phenylalanine hydroxylase; minus strand). Cytogenetic location: 12q23.2.
Variant type: single nucleotide variant.
Coding change: c.1198A>C on transcript NM_000277.3 (MANE Select); coding-DNA position 1198, A replaced by C.
Protein change: p.Arg400=; no amino-acid change (arginine 400 retained).
Molecular consequence: synonymous variant.
Genome position (GRCh38, 1-based): chr12:102,843,647, T>G on the plus strand (A>C on the coding strand, the complement: PAH is on the minus strand). VCF-style: chr12-102843647-T-G. GRCh37 (hg19) VCF-style: chr12-103237425-T-G.
Other names: c.1198A>C, p.Arg400= (NM_001354304.2).
Identifiers: ClinVar variation 102553 (VCV000102553.10), dbSNP rs199475593, ClinGen allele CA229381.